The following is an entry in ClinVar:

ClinVar aggregate classification (germline): Pathogenic (0 of 4 stars; one submission).

Conditions:
Holoprosencephaly 5 (HPE5). Identifiers: Orphanet 2162, MedGen C1864827, MONDO:0012322, OMIM 609637.

Submission:

GeneReviews
Classification: Pathogenic for Holoprosencephaly. Last evaluated: 2013-08-29. Review status: no assertion criteria provided. Collection method: curation. Allele origin: unknown.
ClinVar note: Converted during submission from pathologic to Pathogenic.

NM_007129.5(ZIC2):c.1091_1092del (p.Gln364fs)

Gene: ZIC2 (Zic family member 2; plus strand). Cytogenetic location: 13q32.3.
Variant type: Deletion.
Coding change: c.1091_1092del on transcript NM_007129.5 (MANE Select); coding-DNA positions 1091 to 1092, 2 bases deleted (AG; older notation c.1091_1092delAG).
Protein change: p.Gln364fs; shifts the reading frame from glutamine 364.
Molecular consequence: frameshift variant.
Genome position (GRCh38, 1-based): chr13:99,984,961-99,984,962, AG deleted. VCF-style (leftmost placement, unchanged base first): chr13-99984960-CAG-C. GRCh37 (hg19) VCF-style: chr13-100637214-CAG-C.
Other names: 2 bp del AG 364; short protein forms Q364fs.
Identifiers: ClinVar variation 65492 (VCV000065492.3), dbSNP rs397515500, ClinGen allele CA344804.